The following is an entry in ClinVar:

NM_001353788.2(APBA2):c.1224A>G (p.Gln408=)

Gene: APBA2 (amyloid beta precursor protein binding family A member 2; plus strand). Cytogenetic location: 15q13.1.
Variant type: single nucleotide variant.
Coding change: c.1224A>G on transcript NM_001353788.2 (MANE Select); coding-DNA position 1224, A replaced by G.
Protein change: p.Gln408=; no amino-acid change (glutamine 408 retained).
Molecular consequence: synonymous variant. On other transcripts: intron variant (5).
Genome position (GRCh38, 1-based): chr15:29,094,286, A>G. VCF-style: chr15-29094286-A-G. GRCh37 (hg19) VCF-style: chr15-29386489-A-G.
Other names: c.1224A>G, p.Gln408= (NM_001353789.2, NM_001353790.2, NM_001353791.2 and 3 more transcripts); c.336A>G, p.Gln112= (NM_001353796.2); c.1215+1066A>G (NM_001353792.2, NM_001130414.1, NM_001353793.2 and 1 more transcripts); c.327+1066A>G (NM_001353797.2).
Identifiers: ClinVar variation 3052721 (VCV003052721.2), dbSNP rs140018484, ClinGen allele CA7445338.

ClinVar aggregate classification (germline): Likely benign (0 of 4 stars; one submission).

Conditions:
APBA2-related disorder. Also called: APBA2-related condition.

Allele frequency attached by ClinVar (database versions not stated): gnomAD exomes 0.00010; ExAC 0.00035; gnomAD 0.00098; ESP Exome Variant Server 0.00108; TOPMed 0.00115; 1000 Genomes Project 0.00140; 1000 Genomes Project 30x 0.00187.
gnomAD v4.1: 299 of 1,614,198 alleles (0.019%); highest among the groups gnomAD compares: African/African-American, 0.37%; no homozygotes.

Submission:

PreventionGenetics, part of Exact Sciences
Classification: Likely benign for APBA2-related condition. Last evaluated: 2019-10-28. Review status: no assertion criteria provided. Collection method: clinical testing. Allele origin: germline.
Comment: This variant is classified as likely benign based on ACMG/AMP sequence variant interpretation guidelines (Richards et al. 2015 PMID: 25741868, with internal and published modifications).